The following is an entry in ClinVar:

ClinVar aggregate classification (germline): Uncertain significance (1 of 4 stars; one submission).

Conditions:
Inborn genetic diseases. Identifiers: MedGen C0950123, MeSH D030342.

Submission:

Ambry Genetics
Classification: Uncertain significance for Inborn genetic diseases. Last evaluated: 2026-06-08. Review status: criteria provided, single submitter. Criteria: Ambry Variant Classification Scheme 2023. Collection method: clinical testing. Allele origin: germline.
Comment: The p.M583L variant (also known as c.1747A>T) is located in coding exon 11 of the PIK3CA gene. The methionine at codon 583 is replaced by leucine, an amino acid with highly similar properties. This change occurs in the first base pair of coding exon 11. This amino acid position is conserved. In addition, the in silico prediction for this alteration is inconclusive. Based on the available evidence, the clinical significance of this variant remains unclear.

NM_006218.4(PIK3CA):c.1747A>T (p.Met583Leu)

Gene: PIK3CA (phosphatidylinositol-4,5-bisphosphate 3-kinase catalytic subunit alpha; plus strand). Cytogenetic location: 3q26.32.
Variant type: single nucleotide variant.
Coding change: c.1747A>T on transcript NM_006218.4 (MANE Select); coding-DNA position 1747, A replaced by T.
Protein change: p.Met583Leu; replaces methionine 583 with leucine.
Molecular consequence: missense variant.
Genome position (GRCh38, 1-based): chr3:179,219,571, A>T. VCF-style: chr3-179219571-A-T. GRCh37 (hg19) VCF-style: chr3-178937359-A-T.
Other names: short protein forms M583L.
Identifiers: ClinVar variation 4861896 (VCV004861896.1).